The following is an entry in ClinVar:

NM_006080.3(SEMA3A):c.2076C>T (p.Ser692=)

Gene: SEMA3A (semaphorin 3A; minus strand). Cytogenetic location: 7q21.11.
Variant type: single nucleotide variant.
Coding change: c.2076C>T on transcript NM_006080.3 (MANE Select); coding-DNA position 2076, C replaced by T.
Protein change: p.Ser692=; no amino-acid change (serine 692 retained).
Molecular consequence: synonymous variant.
Genome position (GRCh38, 1-based): chr7:83,961,611, G>A on the plus strand (C>T on the coding strand, the complement: SEMA3A is on the minus strand). VCF-style: chr7-83961611-G-A. GRCh37 (hg19) VCF-style: chr7-83590927-G-A.
Identifiers: ClinVar variation 3356930 (VCV003356930.1).
Genomic context (GRCh38, chr7:83,961,611, plus strand): 5'-GTGGTTGATGAGCTGCATGAAGTCTCTGTACCAGACCTTCTGGCTAGGTGTCATGCTATT[G>A]GACATTTCTTTGGTCTTAGAGCCATCTCCATCATCATCTTTATGAAGAAGTTCTTCCAAA-3'
Protein context (NP_006071.1, residues 682-702): DGDGSKTKEM[Ser692=]NSMTPSQKVW

ClinVar aggregate classification (germline): Likely benign (0 of 4 stars; one submission).

Conditions:
SEMA3A-related disorder. Also called: SEMA3A-related condition.

gnomAD v4.1: 8 of 1,613,908 alleles (0.0005%); highest among the groups gnomAD compares: African/African-American, 0.0013%; no homozygotes.

Submission:

PreventionGenetics, part of Exact Sciences
Classification: Likely benign for SEMA3A-related condition. Last evaluated: 2021-12-14. Review status: no assertion criteria provided. Collection method: clinical testing. Allele origin: germline.
Comment: This variant is classified as likely benign based on ACMG/AMP sequence variant interpretation guidelines (Richards et al. 2015 PMID: 25741868, with internal and published modifications).